The following is an entry in ClinVar:

ClinVar aggregate classification (germline): Uncertain significance (1 of 4 stars; one submission).

Conditions:
Frasier syndrome. Identifiers: Orphanet 347, MedGen C0950122, MeSH D052159, MONDO:0007635, OMIM 136680.
Drash syndrome (DDS). Also called: NEPHROPATHY, WILMS TUMOR, AND GENITAL ANOMALIES; WILMS TUMOR AND PSEUDO- OR TRUE HERMAPHRODITISM. Identifiers: Orphanet 220, MedGen C0950121, MONDO:0008682, OMIM 194080.
Wilms tumor 1 (WT1). Also called: Wilms tumor, somatic. Identifiers: Orphanet 654, MedGen CN033288, MONDO:0008679, OMIM 194070.
11p partial monosomy syndrome (WAGR). Also called: WAGR Complex; WAGR syndrome; CHROMOSOME 11p13 DELETION SYNDROME; WAGR Spectrum Disorder. Identifiers: Orphanet 893, MedGen C0206115, MONDO:0008681, OMIM 194072.

Submission:

Labcorp Genetics (formerly Invitae), Labcorp
Classification: Uncertain significance for Wilms tumor 1; Drash syndrome; 11p partial monosomy syndrome; Frasier syndrome. Last evaluated: 2021-03-15. Review status: criteria provided, single submitter. Criteria: Invitae Variant Classification Sherloc (09022015). Collection method: clinical testing. Allele origin: germline.
Comment: In summary, the available evidence is currently insufficient to determine the role of this variant in disease. Therefore, it has been classified as a Variant of Uncertain Significance. Algorithms developed to predict the effect of missense changes on protein structure and function (SIFT, PolyPhen-2, Align-GVGD) all suggest that this variant is likely to be tolerated, but these predictions have not been confirmed by published functional studies and their clinical significance is uncertain. This variant has not been reported in the literature in individuals with WT1-related conditions. The frequency data for this variant in the population databases is considered unreliable, as metrics indicate insufficient coverage at this position in the ExAC database. This sequence change replaces glycine with cysteine at codon 91 of the WT1 protein (p.Gly91Cys). The glycine residue is moderately conserved and there is a large physicochemical difference between glycine and cysteine.

NM_024426.6(WT1):c.286G>T (p.Gly96Cys)

Genes: WT1 (WT1 transcription factor; minus strand), LOC107982234 (WT1/WT1-AS bi-directional promoter region; plus strand). Cytogenetic location: 11p13.
Variant type: single nucleotide variant.
Coding change: c.286G>T on transcript NM_024426.6 (MANE Select); coding-DNA position 286, G replaced by T.
Protein change: p.Gly96Cys; replaces glycine 96 with cysteine.
Molecular consequence: missense variant. On other transcripts: non-coding transcript variant (1).
Genome position (GRCh38, 1-based): chr11:32,435,075, C>A on the plus strand (G>T on the coding strand, the complement: WT1 is on the minus strand). VCF-style: chr11-32435075-C-A. GRCh37 (hg19) VCF-style: chr11-32456621-C-A.
Other names: c.286G>T, p.Gly96Cys (NM_000378.6, NM_024424.5); short protein forms G96C.
Identifiers: ClinVar variation 1450322 (VCV001450322.8), dbSNP rs1060501254, ClinGen allele CA379966002.